The following is an entry in ClinVar:

NM_144670.6(A2ML1):c.2162T>A (p.Leu721Ter)

Gene: A2ML1 (alpha-2-macroglobulin like 1; plus strand). Cytogenetic location: 12p13.31.
Variant type: single nucleotide variant.
Coding change: c.2162T>A on transcript NM_144670.6 (MANE Select); coding-DNA position 2162, T replaced by A.
Protein change: p.Leu721Ter; replaces leucine 721 with a stop codon.
Molecular consequence: nonsense.
Genome position (GRCh38, 1-based): chr12:8,850,202, T>A. VCF-style: chr12-8850202-T-A. GRCh37 (hg19) VCF-style: chr12-9002798-T-A.
Other names: c.689T>A, p.Leu230Ter (NM_001282424.3); short protein forms L721*, L230*.
Identifiers: ClinVar variation 2112076 (VCV002112076.4), dbSNP rs2539251476, ClinGen allele CA383832160.

ClinVar aggregate classification (germline): Uncertain significance (1 of 4 stars; one submission).

Submission:

Labcorp Genetics (formerly Invitae), Labcorp
Classification: Uncertain significance. Last evaluated: 2022-03-14. Review status: criteria provided, single submitter. Criteria: Invitae Variant Classification Sherloc (09022015). Collection method: clinical testing. Allele origin: germline.
Comment: This variant has not been reported in the literature in individuals affected with A2ML1-related conditions. In summary, the available evidence is currently insufficient to determine the role of this variant in disease. Therefore, it has been classified as a Variant of Uncertain Significance. This sequence change creates a premature translational stop signal (p.Leu721*) in the A2ML1 gene. It is expected to result in an absent or disrupted protein product. However, the current clinical and genetic evidence is not sufficient to establish whether loss-of-function variants in A2ML1 cause disease. This variant is not present in population databases (gnomAD no frequency).